The following is an entry in ClinVar:

ClinVar aggregate classification (germline): Conflicting classifications of pathogenicity. Review status: criteria provided, conflicting classifications (1 of 4 stars). 4 submissions from 4 submitters: Uncertain significance (3); Benign (1). Last evaluated 2025-12-08.

Conditions:
Tuberous sclerosis 2 (TSC2). Identifiers: Orphanet 805, MedGen C1860707, MONDO:0013199, OMIM 613254.
Tuberous sclerosis syndrome (TSC). Also called: Tuberous Sclerosis Complex; Tuberous sclerosis. Identifiers: Orphanet 805, MedGen C0041341, MONDO:0001734.
Isolated focal cortical dysplasia type II (FCORD2). Also called: CORTICAL DYSPLASIA OF TAYLOR; Focal cortical dysplasia type II. Identifiers: Orphanet 268994, MedGen C1846385, MONDO:0011818, OMIM 607341, HP:0032051.
Hereditary cancer-predisposing syndrome. Also called: Neoplastic Syndromes, Hereditary; Hereditary Cancer Syndrome; Hereditary neoplastic syndrome; Tumor predisposition. Identifiers: Orphanet 140162, MedGen C0027672, MeSH D009386, MONDO:0015356.

Allele frequency attached by ClinVar (database versions not stated): gnomAD exomes below 0.00001.
gnomAD v4.1: 1 of 1,611,124 alleles (0.000062%); highest among the groups gnomAD compares: Admixed American, 0.0017%; no homozygotes.

Submissions (4):

Labcorp Genetics (formerly Invitae), Labcorp
Classification: Benign for Tuberous sclerosis 2. Last evaluated: 2025-12-08. Review status: criteria provided, single submitter. Criteria: Invitae Variant Classification Sherloc (09022015). Collection method: clinical testing. Allele origin: germline.

Color Diagnostics, LLC DBA Color Health
Classification: Uncertain significance for Tuberous sclerosis syndrome. Last evaluated: 2025-09-04. Review status: criteria provided, single submitter. Criteria: ACMG Guidelines, 2015. Collection method: clinical testing. Allele origin: germline.
Comment: This missense variant replaces alanine with valine at codon 1332 of the TSC2 protein. Computational prediction suggests that this variant may not impact protein structure and function. To our knowledge, functional studies have not been reported for this variant. This variant has not been reported in individuals affected with TSC2-related disorders in the literature. This variant has been identified in 1/244490 chromosomes in the general population by the Genome Aggregation Database (gnomAD). The available evidence is insufficient to determine the role of this variant in disease conclusively. Therefore, this variant is classified as a Variant of Uncertain Significance.

Ambry Genetics
Classification: Uncertain significance for Hereditary cancer-predisposing syndrome. Last evaluated: 2024-04-25. Review status: criteria provided, single submitter. Criteria: Ambry Variant Classification Scheme 2023. Collection method: clinical testing. Allele origin: germline.
Comment: The p.A1332V variant (also known as c.3995C>T), located in coding exon 32 of the TSC2 gene, results from a C to T substitution at nucleotide position 3995. The alanine at codon 1332 is replaced by valine, an amino acid with similar properties. This amino acid position is not well conserved in available vertebrate species. In addition, the in silico prediction for this alteration is inconclusive. Based on the available evidence, the clinical significance of this variant remains unclear.

Baylor Genetics
Classification: Uncertain significance for Isolated focal cortical dysplasia type II. Last evaluated: 2023-05-31. Review status: criteria provided, single submitter. Criteria: ACMG Guidelines, 2015. Collection method: clinical testing. Allele origin: unknown.

NM_000548.5(TSC2):c.3995C>T (p.Ala1332Val)

Gene: TSC2 (TSC complex subunit 2; plus strand). Cytogenetic location: 16p13.3.
Variant type: single nucleotide variant.
Coding change: c.3995C>T on transcript NM_000548.5 (MANE Select); coding-DNA position 3995, C replaced by T.
Protein change: p.Ala1332Val; replaces alanine 1332 with valine.
Molecular consequence: missense variant.
Genome position (GRCh38, 1-based): chr16:2,083,806, C>T. VCF-style: chr16-2083806-C-T. GRCh37 (hg19) VCF-style: chr16-2133807-C-T.
Other names: c.3884C>T, p.Ala1295Val (NM_001406668.1); c.3815C>T, p.Ala1272Val (NM_001406670.1); c.3785C>T, p.Ala1262Val (NM_001406671.1); c.3782C>T, p.Ala1261Val (NM_001406673.1); c.3779C>T, p.Ala1260Val (NM_001406675.1); c.3776C>T, p.Ala1259Val (NM_001406676.1); c.3737C>T, p.Ala1246Val (NM_001406677.1); c.3683C>T, p.Ala1228Val (NM_001406678.1); and 26 more; short protein forms A1088V, A1109V, A1217V, A1228V, A1260V, A1288V, A1289V, A1295V.
Identifiers: ClinVar variation 2157737 (VCV002157737.6), dbSNP rs1166352281, ClinGen allele CA394297766.